The following is an entry in ClinVar:

NM_002025.4(AFF2):c.3405-1G>T

Gene: AFF2 (ALF transcription elongation factor 2; plus strand). Cytogenetic location: Xq28.
Variant type: single nucleotide variant.
Coding change: c.3405-1G>T on transcript NM_002025.4 (MANE Select); the canonical splice acceptor site of the intron before coding-DNA position 3405, G replaced by T.
Molecular consequence: splice acceptor variant.
Genome position (GRCh38, 1-based): chrX:148,977,932, G>T. VCF-style: chrX-148977932-G-T. GRCh37 (hg19) VCF-style: chrX-148059462-G-T.
Other names: NC_000023.10:g.148059462G>T; c.3300-1G>T (NM_001169124.2, NM_001169122.2); c.3375-1G>T (NM_001169123.2); c.3288-1G>T (NM_001169125.2); c.2328-1G>T (NM_001170628.1).
Identifiers: ClinVar variation 450927 (VCV000450927.3), dbSNP rs1557290471, ClinGen allele CA414514654.

ClinVar aggregate classification (germline): Uncertain significance (1 of 4 stars; one submission).

Submissions (3):

GeneDx
Classification: Uncertain significance. Last evaluated: 2017-07-31. Review status: criteria provided, single submitter. Criteria: GeneDx Variant Classification (06012015). Collection method: clinical testing. Allele origin: germline. Affected: yes.
Comment: The c.3405-1G>T variant in the AFF2 gene has not been reported previously as a pathogenic variant nor as a benign variant, to our knowledge. This splice site variant destroys the canonical splice acceptor site in intron 16 and is predicted to cause abnormal gene splicing resulting in an in-frame protein product with an abnormal message. However, in the absence of RNA/functional studies, the actual effect of c.3405-1G>T in this individual is unknown. The c.3405-1G>T variant is not observed in large population cohorts (Lek et al., 2016; 1000 Genomes Consortium et al., 2015; Exome Variant Server). We interpret c.3405-1G>T as a variant of uncertain significance.

Dr. Peter K. Rogan Lab, Western University
No classification provided (evidence only). Condition: Thyroid cancer, nonmedullary, 1. Review status: no classification provided. Collection method: in vitro. Allele origin: not applicable. Functional consequence: retained intron. Not counted in ClinVar's aggregate classification.

Dr. Peter K. Rogan Lab, Western University
No classification provided (evidence only). Condition: Thyroid cancer, nonmedullary, 1. Review status: no classification provided. Collection method: in vitro. Allele origin: not applicable. Functional consequence: retained intron. Not counted in ClinVar's aggregate classification.